The following is an entry in ClinVar:

ClinVar aggregate classification (germline): Likely benign. Review status: criteria provided, multiple submitters, no conflicts (2 of 4 stars). 3 submissions from 3 submitters: Likely benign (3). Last evaluated 2025-10-22.

Allele frequency attached by ClinVar (database versions not stated): gnomAD 0.00001 and 0.00002; TOPMed 0.00003; gnomAD exomes 0.00008 and 0.00014; ExAC 0.00009.

Submissions (3):

Mayo Clinic Laboratories, Mayo Clinic
Classification: Likely benign. Last evaluated: 2025-10-22. Review status: criteria provided, single submitter. Criteria: ACMG Guidelines, 2015. Collection method: clinical testing. Allele origin: germline. Observed: 1 variant allele.
Comment: BP4, BP7

Blueprint Genetics
Classification: Likely benign. Last evaluated: 2024-11-05. Review status: criteria provided, single submitter. Criteria: ACMG Guidelines, 2015. Collection method: clinical testing. Allele origin: germline.

Labcorp Genetics (formerly Invitae), Labcorp
Classification: Likely benign. Last evaluated: 2019-01-01. Review status: criteria provided, single submitter. Criteria: Invitae Variant Classification Sherloc (09022015). Collection method: clinical testing. Allele origin: germline.

NM_201384.3(PLEC):c.3757-7C>T

Gene: PLEC (plectin; minus strand). Cytogenetic location: 8q24.3.
Variant type: single nucleotide variant.
Coding change: c.3757-7C>T on transcript NM_201384.3 (MANE Select); 7 bases into the intron before coding-DNA position 3757, C replaced by T.
Molecular consequence: intron variant.
Genome position (GRCh38, 1-based): chr8:143,927,342, G>A on the plus strand (C>T on the coding strand, the complement: PLEC is on the minus strand). VCF-style: chr8-143927342-G-A. GRCh37 (hg19) VCF-style: chr8-145001510-G-A.
Other names: p.?; c.3838-7C>T (NM_000445.5); c.3715-7C>T (NM_201378.4); c.3691-7C>T (NM_201379.3); c.4168-7C>T (NM_201380.4); c.3661-7C>T (NM_201381.3); c.3757-7C>T (NM_201382.4); c.3769-7C>T (NM_201383.3).
Identifiers: ClinVar variation 737387 (VCV000737387.5), dbSNP rs782323960, ClinGen allele CA4926941.
Genomic context (GRCh38, chr8:143,927,342, plus strand): 5'-CCTCTGGCACTCCTCGACCTTCTCGCCGTGGCGCTCGATCTCCTCCAGCAGGGCCTGGGT[G>A]ATGGTGTGGTCAGAGCCGTGGCCGCAGGGCACGCCCAGCCGCCCCGTCCCCACCGACCCA-3'